The following is an entry in ClinVar:

NM_000136.3(FANCC):c.193C>T (p.Pro65Ser)

Gene: FANCC (FA complementation group C; minus strand). Cytogenetic location: 9q22.32.
Variant type: single nucleotide variant.
Coding change: c.193C>T on transcript NM_000136.3 (MANE Select); coding-DNA position 193, C replaced by T.
Protein change: p.Pro65Ser; replaces proline 65 with serine.
Molecular consequence: missense variant.
Genome position (GRCh38, 1-based): chr9:95,247,489, G>A on the plus strand (C>T on the coding strand, the complement: FANCC is on the minus strand). VCF-style: chr9-95247489-G-A. GRCh37 (hg19) VCF-style: chr9-98009771-G-A.
Other names: c.193C>T, p.Pro65Ser (NM_001243743.2, NM_001243744.2); short protein forms P65S.
Identifiers: ClinVar variation 3369746 (VCV003369746.1).

ClinVar aggregate classification (germline): Uncertain significance (1 of 4 stars; one submission).

Submission:

GeneDx
Classification: Uncertain significance. Last evaluated: 2024-02-25. Review status: criteria provided, single submitter. Criteria: GeneDx Variant Classification Process June 2021. Collection method: clinical testing. Allele origin: germline. Affected: yes.
Comment: Not observed at significant frequency in large population cohorts (gnomAD); In silico analysis supports that this missense variant has a deleterious effect on protein structure/function; Has not been previously published as pathogenic or benign to our knowledge; This variant is associated with the following publications: (PMID: Gordon2000[Book])